The following is an entry in ClinVar:

NM_020937.4(FANCM):c.5546C>T (p.Pro1849Leu)

Gene: FANCM (FA complementation group M; plus strand). Cytogenetic location: 14q21.2.
Variant type: single nucleotide variant.
Coding change: c.5546C>T on transcript NM_020937.4 (MANE Select); coding-DNA position 5546, C replaced by T.
Protein change: p.Pro1849Leu; replaces proline 1849 with leucine.
Molecular consequence: missense variant.
Genome position (GRCh38, 1-based): chr14:45,196,377, C>T. VCF-style: chr14-45196377-C-T. GRCh37 (hg19) VCF-style: chr14-45665580-C-T.
Other names: c.5468C>T, p.Pro1823Leu (NM_001308133.2); short protein forms P1849L, P1823L.
Identifiers: ClinVar variation 4022816 (VCV004022816.2).

ClinVar aggregate classification (germline): Uncertain significance. Review status: criteria provided, multiple submitters, no conflicts (2 of 4 stars). 2 submissions from 2 submitters: Uncertain significance (2). Last evaluated 2025-05-27.

Conditions:
Inborn genetic diseases. Identifiers: MedGen C0950123, MeSH D030342.

Submissions (2):

Ambry Genetics
Classification: Uncertain significance for Inborn genetic diseases. Last evaluated: 2025-05-27. Review status: criteria provided, single submitter. Criteria: Ambry Variant Classification Scheme 2023. Collection method: clinical testing. Allele origin: germline.
Comment: The p.P1849L variant (also known as c.5546C>T), located in coding exon 21 of the FANCM gene, results from a C to T substitution at nucleotide position 5546. The proline at codon 1849 is replaced by leucine, an amino acid with similar properties. This amino acid position is conserved. In addition, this alteration is predicted to be tolerated by in silico analysis. Based on the available evidence, the clinical significance of this variant remains unclear.

Blueprint Genetics
Classification: Uncertain significance. Last evaluated: 2018-12-23. Review status: criteria provided, single submitter. Criteria: ACMG Guidelines, 2015. Collection method: clinical testing. Allele origin: germline.